The following is an entry in ClinVar:

ClinVar aggregate classification (germline): Benign (1 of 4 stars; one submission).

Allele frequency attached by ClinVar (database versions not stated): 1000 Genomes Project 0.12021; TOPMed 0.10665; gnomAD 0.10727; 1000 Genomes Project 30x 0.11977.

Submission:

GeneDx
Classification: Benign. Last evaluated: 2018-06-14. Review status: criteria provided, single submitter. Criteria: GeneDx Variant Classification (06012015). Collection method: clinical testing. Allele origin: germline. Affected: yes.
Comment: This variant is considered likely benign or benign based on one or more of the following criteria: it is a conservative change, it occurs at a poorly conserved position in the protein, it is predicted to be benign by multiple in silico algorithms, and/or has population frequency not consistent with disease.

NM_006420.2(ARFGEF2):c.-330A>G

Gene: ARFGEF2 (ARF guanine nucleotide exchange factor 2; plus strand). Cytogenetic location: 20q13.13.
Variant type: single nucleotide variant.
Coding change: c.-330A>G on transcript NM_006420.2; 330 bases upstream of the start codon, A replaced by G.
Genome position (GRCh38, 1-based): chr20:48,921,560, A>G. VCF-style: chr20-48921560-A-G. GRCh37 (hg19) VCF-style: chr20-47538097-A-G.
Identifiers: ClinVar variation 667986 (VCV000667986.3), dbSNP rs6019531, ClinGen allele CA315880686.